The following is an entry in ClinVar:

ClinVar aggregate classification (germline): Uncertain significance (1 of 4 stars; one submission).

Allele frequency attached by ClinVar (database versions not stated): 1000 Genomes Project 30x 0.00016; 1000 Genomes Project 0.00020; gnomAD 0.00021; ESP Exome Variant Server 0.00023; ExAC 0.00025; TOPMed 0.00027; gnomAD exomes 0.00029 and 0.00036.
gnomAD v4.1: 565 of 1,614,214 alleles (0.035%); highest among the groups gnomAD compares: Admixed American, 0.065%; 2 homozygotes.

Submission:

GeneDx
Classification: Uncertain significance. Last evaluated: 2019-03-28. Review status: criteria provided, single submitter. Criteria: GeneDx Variant Classification Process June 2021. Collection method: clinical testing. Allele origin: germline. Affected: yes.
Comment: In silico analysis, which includes protein predictors and evolutionary conservation, supports that this variant does not alter protein structure/function; Has not been previously published as pathogenic or benign to our knowledge; This variant is associated with the following publications: (PMID: 31453292)

NM_015278.5(SASH1):c.3415C>T (p.Arg1139Trp)

Gene: SASH1 (SAM and SH3 domain containing 1; plus strand). Cytogenetic location: 6q25.1.
Variant type: single nucleotide variant.
Coding change: c.3415C>T on transcript NM_015278.5 (MANE Select); coding-DNA position 3415, C replaced by T.
Protein change: p.Arg1139Trp; replaces arginine 1139 with tryptophan.
Molecular consequence: missense variant.
Genome position (GRCh38, 1-based): chr6:148,546,081, C>T. VCF-style: chr6-148546081-C-T. GRCh37 (hg19) VCF-style: chr6-148867217-C-T.
Other names: c.3280C>T, p.Arg1094Trp (NM_001346505.2); c.3043C>T, p.Arg1015Trp (NM_001346506.2); c.2698C>T, p.Arg900Trp (NM_001346507.2); c.3187C>T, p.Arg1063Trp (NM_001346508.2); c.3064C>T, p.Arg1022Trp (NM_001346509.2); short protein forms R1015W, R1022W, R1063W, R1094W, R1139W, R900W.
Identifiers: ClinVar variation 1308237 (VCV001308237.2), dbSNP rs200999161, ClinGen allele CA4040853.